The following is an entry in ClinVar:

ClinVar aggregate classification (germline): Likely pathogenic (1 of 4 stars; one submission).

Conditions:
CHD7-related CHARGE syndrome. Identifiers: MedGen CN380413, MONDO:1010178, OMIM 214800.

Submission:

MVZ Medizinische Genetik Mainz
Classification: Likely pathogenic for CHD7-related CHARGE syndrome. Last evaluated: 2026-05-28. Review status: criteria provided, single submitter. Criteria: UK Practice Guidelines For Variant Classification V4 01 2020. Collection method: clinical testing. Allele origin: germline. Inheritance: Autosomal dominant inheritance. Affected: yes. Observed: 1 variant allele.
Comment: ACMG Criteria: PS2_MOD,PP3_STR,PM2_SUP

NM_017780.4(CHD7):c.4952T>C (p.Leu1651Pro)

Gene: CHD7 (chromodomain helicase DNA binding protein 7; plus strand). Cytogenetic location: 8q12.2.
Variant type: single nucleotide variant.
Coding change: c.4952T>C on transcript NM_017780.4 (MANE Select); coding-DNA position 4952, T replaced by C.
Protein change: p.Leu1651Pro; replaces leucine 1651 with proline.
Molecular consequence: missense variant. On other transcripts: intron variant (1).
Genome position (GRCh38, 1-based): chr8:60,844,965, T>C. VCF-style: chr8-60844965-T-C. GRCh37 (hg19) VCF-style: chr8-61757524-T-C.
Other names: c.1717-17264T>C (NM_001316690.1); short protein forms L1651P.
Identifiers: ClinVar variation 4857282 (VCV004857282.1).